The following is an entry in ClinVar:

ClinVar aggregate classification (germline): Uncertain significance. Review status: criteria provided, single submitter (1 of 4 stars). 3 submissions from 3 submitters: Uncertain significance (1). 2 of the submissions do not count toward it. Last evaluated 2024-07-26.

Conditions:
Inborn genetic diseases. Identifiers: MedGen C0950123, MeSH D030342.
Optic atrophy. Identifiers: MedGen C0029124, MONDO:0003608, HP:0000648.
SCAPER-related disorder. Also called: SCAPER-related condition.

gnomAD v4.1: 11 of 1,612,978 alleles (0.00068%); highest among the groups gnomAD compares: African/African-American, 0.0067%; no homozygotes.

Submissions (3):

Ambry Genetics
Classification: Uncertain significance for Inborn genetic diseases. Last evaluated: 2024-07-26. Review status: criteria provided, single submitter. Criteria: Ambry Variant Classification Scheme 2023. Collection method: clinical testing. Allele origin: germline.

PreventionGenetics, part of Exact Sciences
Classification: Uncertain significance for SCAPER-related condition. Last evaluated: 2024-07-17. Review status: no assertion criteria provided. Collection method: clinical testing. Allele origin: germline. Not counted in ClinVar's aggregate classification.
Comment: The SCAPER c.3461C>T variant is predicted to result in the amino acid substitution p.Thr1154Ile. To our knowledge, this variant has not been reported in the literature. This variant is reported in 0.012% of alleles in individuals of African descent in gnomAD. At this time, the clinical significance of this variant is uncertain due to the absence of conclusive functional and genetic evidence.

Institute of Human Genetics, Univ. Regensburg, Univ. Regensburg
Classification: Uncertain significance for Optic atrophy. Last evaluated: 2023-01-01. Review status: no assertion criteria provided. Criteria: ACMG Guidelines, 2015. Collection method: clinical testing. Allele origin: germline. Affected: yes. Not counted in ClinVar's aggregate classification.

NM_020843.4(SCAPER):c.3443C>T (p.Thr1148Ile)

Gene: SCAPER (S-phase cyclin A associated protein in the ER; minus strand). Cytogenetic location: 15q24.3.
Variant type: single nucleotide variant.
Coding change: c.3443C>T on transcript NM_020843.4 (MANE Select); coding-DNA position 3443, C replaced by T.
Protein change: p.Thr1148Ile; replaces threonine 1148 with isoleucine.
Molecular consequence: missense variant. On other transcripts: non-coding transcript variant (1).
Genome position (GRCh38, 1-based): chr15:76,404,548, G>A on the plus strand (C>T on the coding strand, the complement: SCAPER is on the minus strand). VCF-style: chr15-76404548-G-A. GRCh37 (hg19) VCF-style: chr15-76696889-G-A.
Other names: c.2705C>T, p.Thr902Ile (NM_001145923.2); c.3461C>T, p.Thr1154Ile (NM_001353009.2); c.3041C>T, p.Thr1014Ile (NM_001353010.2, NM_001353012.2); c.3059C>T, p.Thr1020Ile (NM_001353011.2); c.3461C>T (NM_001353009.1); c.3443C>T (NM_020843.2); short protein forms T1014I, T1020I, T1148I, T1154I, T902I.
Identifiers: ClinVar variation 3250135 (VCV003250135.3).